The following is an entry in ClinVar:

ClinVar aggregate classification (germline): Conflicting classifications of pathogenicity. Review status: criteria provided, conflicting classifications (1 of 4 stars). 14 submissions from 14 submitters: Uncertain significance (9); Likely benign (3). 2 of the submissions do not count toward it. Last evaluated 2026-05-28.

Conditions:
MSH6-related disorder. Also called: MSH6-related condition; MSH6-Related disorders.
Hereditary nonpolyposis colorectal neoplasms. Identifiers: MedGen C0009405, MeSH D003123.
Hereditary cancer-predisposing syndrome. Also called: Tumor predisposition; Hereditary neoplastic syndrome; Neoplastic Syndromes, Hereditary; Hereditary Cancer Syndrome. Identifiers: Orphanet 140162, MedGen C0027672, MeSH D009386, MONDO:0015356.
Lynch syndrome. Identifiers: Orphanet 144, MedGen C4552100, MONDO:0005835. Disease mechanism: loss of function.
Lynch syndrome 5 (LYNCH5). Also called: Hereditary non-polyposis colorectal cancer, type 5; Colorectal cancer, hereditary nonpolyposis, type 5. Identifiers: Orphanet 144, MedGen C1833477, MONDO:0013710, OMIM 614350. Disease mechanism: loss of function.
Endometrial carcinoma. Also called: Endometrial carcinoma, somatic. Identifiers: MedGen C0476089, MONDO:0002447, OMIM 608089, HP:0012114.

Allele frequency attached by ClinVar (database versions not stated): ExAC 0.00002; gnomAD exomes 0.00002 and 0.00007; gnomAD 0.00006; TOPMed 0.00007; ESP Exome Variant Server 0.00008.
gnomAD v4.1: 122 of 1,613,954 alleles (0.0076%); highest among the groups gnomAD compares: Non-Finnish European, 0.0096%; no homozygotes.

Submissions (14):

Women's Health and Genetics/Laboratory Corporation of America, LabCorp
Classification: Uncertain significance. Last evaluated: 2026-05-28. Review status: criteria provided, single submitter. Criteria: LabCorp Variant Classification Summary - May 2015. Collection method: clinical testing. Allele origin: germline.
Comment: Variant summary: MSH6 c.3824G>A (p.Cys1275Tyr) results in a non-conservative amino acid change located in the ATPase domain of DNA mismatch repair MUTS family of the encoded protein sequence. Algorithms developed to predict the effect of missense changes on protein structure and function are either unavailable or do not agree on the potential impact of this missense change. The variant allele was found at a frequency of 2.4e-05 in 250998 control chromosomes (gnomAD). The available data on variant occurrences in the general population are insufficient to allow any conclusion about variant significance. c.3824G>A has been observed in individuals affected with low grade glioma or breast cancer (Tung_2014, Lu_2015, Bhai_2021). These reports do not provide unequivocal conclusions about association of the variant with disease. To our knowledge, no experimental evidence demonstrating an impact on protein function has been reported. The following publications have been ascertained in the context of this evaluation (PMID: 34326862, 26689913, 23621914, 25186627). ClinVar contains an entry for this variant (Variation ID: 127594). Based on the evidence outlined above, the variant was classified as uncertain significance.

Labcorp Genetics (formerly Invitae), Labcorp
Classification: Likely benign for Hereditary nonpolyposis colorectal neoplasms. Last evaluated: 2026-01-20. Review status: criteria provided, single submitter. Criteria: Invitae Variant Classification Sherloc (09022015). Collection method: clinical testing. Allele origin: germline.

Ambry Genetics
Classification: Likely benign for Hereditary cancer-predisposing syndrome. Last evaluated: 2025-12-08. Review status: criteria provided, single submitter. Criteria: Ambry Variant Classification Scheme 2023. Collection method: clinical testing. Allele origin: germline.

PreventionGenetics, part of Exact Sciences
Classification: Uncertain significance for MSH6-related condition. Last evaluated: 2025-10-24. Review status: criteria provided, single submitter. Criteria: ACMG Guidelines, 2015. Collection method: clinical testing. Allele origin: germline.
Comment: The MSH6 c.3824G>A variant is predicted to result in the amino acid substitution p.Cys1275Tyr. To our knowledge, this variant has not been reported in the literature. This variant is reported in 0.0062% of alleles in individuals of European (Non-Finnish) descent in gnomAD and has conflicting interpretations in ClinVar ranging from likely benign to uncertain (Variation ID: 127594). At this time, the clinical significance of this variant is uncertain due to the absence of conclusive functional and genetic evidence.

Mayo Clinic Laboratories, Mayo Clinic
Classification: Uncertain significance. Last evaluated: 2025-10-19. Review status: criteria provided, single submitter. Criteria: ACMG Guidelines, 2015. Collection method: clinical testing. Allele origin: germline. Observed: 1 variant allele.
Comment: BP4

Quest Diagnostics Nichols Institute San Juan Capistrano
Classification: Uncertain significance. Last evaluated: 2025-05-07. Review status: criteria provided, single submitter. Criteria: Quest Diagnostics criteria. Collection method: clinical testing. Allele origin: unknown.
Comment: The MSH6 c.3824G>A (p.Cys1275Tyr) variant has been reported in the published literature in individuals affected with breast cancer (PMID: 25186627 (2015)), breast and hematological cancer (PMID: 34326862 (2021)) and low grade glioma (PMID: 26689913 (2015)). The frequency of this variant in the general population (Genome Aggregation Database) is uninformative in the assessment of its pathogenicity. Analysis of this variant using bioinformatics tools for the prediction of the effect of amino acid changes on protein structure and function yielded predictions that this variant is damaging. Based on the available information, we are unable to determine the clinical significance of this variant.

GeneDx
Classification: Uncertain significance. Last evaluated: 2024-09-30. Review status: criteria provided, single submitter. Criteria: GeneDx Variant Classification Process June 2021. Collection method: clinical testing. Allele origin: germline. Affected: yes.
Comment: In silico analysis indicates that this missense variant does not alter protein structure/function; Observed in individuals with glioma, hematologic malignancy, and/or breast cancer (PMID: 25186627, 26689913, 34326862); This variant is associated with the following publications: (PMID: 23621914, 25186627, 26689913, 17531815, 21120944, 34326862)

All of Us Research Program, National Institutes of Health
Classification: Uncertain significance for Lynch syndrome. Last evaluated: 2024-07-29. Review status: criteria provided, single submitter. Criteria: ACMG Guidelines, 2015. Collection method: clinical testing. Allele origin: germline. Inheritance: Autosomal dominant inheritance. Observed: 18 variant alleles, 18 heterozygotes.
Comment: This missense variant replaces cysteine with tyrosine at codon 1275 of the MSH6 protein. Computational prediction suggests that this variant may not impact protein structure and function (internally defined REVEL score threshold <= 0.5, PMID: 27666373). To our knowledge, functional studies have not been reported for this variant. This variant has been observed in an individual affected with breast cancer (PMID: 25186627) and an individual affected with low-grade glioma (PMID: 26689913). This variant has been identified in 8/282376 chromosomes in the general population by the Genome Aggregation Database (gnomAD). The available evidence is insufficient to determine the role of this variant in disease conclusively. Therefore, this variant is classified as a Variant of Uncertain Significance.

This study involves interpretation of variants in research participants for the purpose of population health screening. Participant phenotype was not available at the time of variant classification. Additional details can be found in publication PMID: 35346344, PMCID: PMC8962531

Color Diagnostics, LLC DBA Color Health
Classification: Uncertain significance for Hereditary cancer-predisposing syndrome. Last evaluated: 2024-04-18. Review status: criteria provided, single submitter. Criteria: ACMG Guidelines, 2015. Collection method: clinical testing. Allele origin: germline.
Comment: This missense variant replaces cysteine with tyrosine at codon 1275 of the MSH6 protein. Computational prediction suggests that this variant may not impact protein structure and function (internally defined REVEL score threshold <= 0.5, PMID: 27666373). To our knowledge, functional studies have not been reported for this variant. This variant has been observed in an individual affected with breast cancer (PMID: 25186627) and an individual affected with low-grade glioma (PMID: 26689913). This variant has been identified in 8/282376 chromosomes in the general population by the Genome Aggregation Database (gnomAD). The available evidence is insufficient to determine the role of this variant in disease conclusively. Therefore, this variant is classified as a Variant of Uncertain Significance.

Baylor Genetics
Classification: Uncertain significance for Endometrial carcinoma. Last evaluated: 2024-03-10. Review status: criteria provided, single submitter. Criteria: ACMG Guidelines, 2015. Collection method: clinical testing. Allele origin: unknown.

Myriad Genetics, Inc.
Classification: Likely benign for Lynch syndrome 5. Last evaluated: 2023-09-05. Review status: criteria provided, single submitter. Criteria: Myriad Autosomal Dominant, Autosomal Recessive and X-Linked Classification Criteria (2023). Collection method: clinical testing. Allele origin: unknown.
Comment: This variant is considered likely benign. This variant is strongly associated with less severe personal and family histories of cancer, typical for individuals without pathogenic variants in this gene [PMID: 27363726].

CeGaT Center for Human Genetics Tuebingen
Classification: Uncertain significance. Last evaluated: 2023-08-01. Review status: criteria provided, single submitter. Criteria: CeGaT Center For Human Genetics Tuebingen Variant Classification Criteria Version 2. Collection method: clinical testing. Allele origin: germline. Affected: yes. Observed: 1 variant allele.

Counsyl
Classification: Uncertain significance for Lynch syndrome 5. Last evaluated: 2015-12-01. Review status: no assertion criteria provided. Collection method: clinical testing. Allele origin: unknown. Not counted in ClinVar's aggregate classification.

Department of Pathology and Laboratory Medicine, Sinai Health System
Classification: Uncertain significance for Lynch syndrome. Review status: no assertion criteria provided. Collection method: clinical testing. Allele origin: unknown. Affected: yes. Observed: 1 variant allele. Study: The Canadian Open Genetics Repository (COGR). Not counted in ClinVar's aggregate classification.
Comment: The MSH6 p.Cys1275Tyr variant was identified in 1 of 4316 proband chromosomes (frequency: 0.0002) from individuals or families with breast cancer (Tung 2015). The variant was also identified in dbSNP (ID: rs150990541) as "With Uncertain significance allele", ClinVar (classified as uncertain significance by GeneDx, Invitae, Ambry Genetics, and three other submitters), Cosmic (1x in Large intestine tissue), and MutDB. The variant was not identified in GeneInsight-COGR, UMD-LSDB, Zhejiang University Database, Mismatch Repair Genes Variant Database, or Insight Hereditary Tumors Database. The variant was identified in control databases in 9 of 276850 chromosomes at a frequency of 0.00003 (Genome Aggregation Database Feb 27, 2017). The variant was observed in the European population in 9 of 126428 chromosomes (freq: 0.00007), while the variant was not observed in the African, Other, Latino, Ashkenazi Jewish, East Asian, Finnish, or South Asian populations. The p.Cys1275 residue is conserved in mammals but not in more distantly related organisms, and four out of five computational analyses (PolyPhen-2, SIFT, AlignGVGD, BLOSUM, MutationTaster) suggest that the variant may impact the protein; however, this information is not predictive enough to assume pathogenicity. The variant occurs outside of the splicing consensus sequence and in silico or computational prediction software programs (SpliceSiteFinder, MaxEntScan, NNSPLICE, GeneSplicer) do not predict a difference in splicing. In summary, based on the above information, the clinical significance of this variant cannot be determined with certainty at this time. This variant is classified as a variant of uncertain significance.

Literature cited by the submitters: PubMed 23621914 (cited by Women's Health and Genetics/Laboratory Corporation of America, LabCorp and Quest Diagnostics Nichols Institute San Juan Capistrano); PubMed 25186627 (cited by 6 submitters); PubMed 26689913 (cited by 4 submitters); PubMed 34326862 (cited by 3 submitters); PubMed 27363726 (cited by Myriad Genetics, Inc.).

NM_000179.3(MSH6):c.3824G>A (p.Cys1275Tyr)

Gene: MSH6 (mutS homolog 6; plus strand). Cytogenetic location: 2p16.3.
Variant type: single nucleotide variant.
Coding change: c.3824G>A on transcript NM_000179.3 (MANE Select); coding-DNA position 3824, G replaced by A.
Protein change: p.Cys1275Tyr; replaces cysteine 1275 with tyrosine.
Molecular consequence: missense variant.
Genome position (GRCh38, 1-based): chr2:47,806,474, G>A. VCF-style: chr2-47806474-G-A. GRCh37 (hg19) VCF-style: chr2-48033613-G-A.
Other names: c.3434G>A, p.Cys1145Tyr (NM_001281492.2); c.2918G>A, p.Cys973Tyr (NM_001281493.2, NM_001281494.2); short protein forms C1275Y, C973Y, C1145Y.
Identifiers: ClinVar variation 127594 (VCV000127594.62), dbSNP rs150990541, ClinGen allele CA014456.